The following is an entry in ClinVar:

ClinVar aggregate classification (germline): Uncertain significance (1 of 4 stars; one submission).

Conditions:
Early-infantile DEE. Also called: Early infantile epileptic encephalopathy with suppression bursts; Early infantile epileptic encephalopathy; Ohtahara syndrome. Identifiers: Orphanet 1934, MedGen C0393706, MONDO:0800491.

Submission:

Labcorp Genetics (formerly Invitae), Labcorp
Classification: Uncertain significance for Early-infantile DEE. Last evaluated: 2023-11-13. Review status: criteria provided, single submitter. Criteria: Invitae Variant Classification Sherloc (09022015). Collection method: clinical testing. Allele origin: germline.
Comment: This sequence change replaces glutamic acid, which is acidic and polar, with lysine, which is basic and polar, at codon 688 of the SCN1A protein (p.Glu688Lys). This variant is not present in population databases (gnomAD no frequency). This variant has not been reported in the literature in individuals affected with SCN1A-related conditions. Advanced modeling of protein sequence and biophysical properties (such as structural, functional, and spatial information, amino acid conservation, physicochemical variation, residue mobility, and thermodynamic stability) performed at Invitae indicates that this missense variant is expected to disrupt SCN1A protein function with a positive predictive value of 80%. In summary, the available evidence is currently insufficient to determine the role of this variant in disease. Therefore, it has been classified as a Variant of Uncertain Significance.

NM_001165963.4(SCN1A):c.2062G>A (p.Glu688Lys)

Gene: SCN1A (sodium voltage-gated channel alpha subunit 1; minus strand). Cytogenetic location: 2q24.3.
Variant type: single nucleotide variant.
Coding change: c.2062G>A on transcript NM_001165963.4 (MANE Select); coding-DNA position 2062, G replaced by A.
Protein change: p.Glu688Lys; replaces glutamic acid 688 with lysine.
Molecular consequence: missense variant. On other transcripts: 5 prime UTR variant (1), non-coding transcript variant (1).
Genome position (GRCh38, 1-based): chr2:166,042,406, C>T on the plus strand (G>A on the coding strand, the complement: SCN1A is on the minus strand). VCF-style: chr2-166042406-C-T. GRCh37 (hg19) VCF-style: chr2-166898916-C-T.
Other names: c.1978G>A, p.Glu660Lys (NM_001165964.3, NM_001353957.2, NM_001353958.2); c.2062G>A, p.Glu688Lys (NM_001202435.3, NM_001353948.2); c.2029G>A, p.Glu677Lys (NM_001353949.2, NM_001353950.2, NM_001353951.2 and 2 more transcripts); c.2026G>A, p.Glu676Lys (NM_001353954.2, NM_001353955.2); c.1975G>A, p.Glu659Lys (NM_001353960.2); c.-397G>A (NM_001353961.2); short protein forms E660K, E659K, E677K, E688K, E676K.
Identifiers: ClinVar variation 2742882 (VCV002742882.3), dbSNP rs1553543946, ClinGen allele CA349066124.